The following is an entry in ClinVar:

NM_024675.4(PALB2):c.2587-12C>T

Gene: PALB2 (partner and localizer of BRCA2; minus strand). Cytogenetic location: 16p12.2.
Variant type: single nucleotide variant.
Coding change: c.2587-12C>T on transcript NM_024675.4 (MANE Select); 12 bases into the intron before coding-DNA position 2587, C replaced by T.
Molecular consequence: intron variant.
Genome position (GRCh38, 1-based): chr16:23,626,409, G>A on the plus strand (C>T on the coding strand, the complement: PALB2 is on the minus strand). VCF-style: chr16-23626409-G-A. GRCh37 (hg19) VCF-style: chr16-23637730-G-A.
Identifiers: ClinVar variation 1617787 (VCV001617787.12), dbSNP rs1266683395, ClinGen allele CA621661845.
Genomic context (GRCh38, chr16:23,626,409, plus strand): 5'-TTTCCCAAAACATGGCACTCACATCTACGGAACAGGAACCTGAAGGATTCTGACACAATG[G>A]CAACAGTTCTGTTAAAGTGGCACTCGAGTGCTGTTTTATGCAAAGCATAAGTATGCAAAG-3'

ClinVar aggregate classification (germline): Likely benign. Review status: criteria provided, multiple submitters, no conflicts (2 of 4 stars). 4 submissions from 4 submitters: Likely benign (4). Last evaluated 2025-12-23.

Conditions:
Hereditary cancer-predisposing syndrome. Also called: Neoplastic Syndromes, Hereditary; Hereditary neoplastic syndrome; Tumor predisposition; Hereditary Cancer Syndrome. Identifiers: Orphanet 140162, MedGen C0027672, MeSH D009386, MONDO:0015356.
Familial cancer of breast. Also called: BREAST CANCER, FAMILIAL; Hereditary breast cancer; hereditary breast carcinoma. Identifiers: Orphanet 227535, MedGen C0346153, MONDO:0016419, OMIM 114480. Disease mechanism: loss of function.
Fanconi anemia complementation group N. Also called: PALB2-Related Fanconi Anemia. Identifiers: Orphanet 84, MedGen C1835817, MONDO:0012565, OMIM 610832. Disease mechanism: loss of function.
Pancreatic cancer, susceptibility to, 3. Identifiers: Orphanet 1333, MedGen C3150547, MONDO:0013236, OMIM 613348.

Allele frequency attached by ClinVar (database versions not stated): gnomAD exomes below 0.00001; gnomAD 0.00001.
gnomAD v4.1: 2 of 1,613,970 alleles (0.00012%); highest among the groups gnomAD compares: Admixed American, 0.0033%; no homozygotes.

Submissions (4):

Labcorp Genetics (formerly Invitae), Labcorp
Classification: Likely benign for Familial cancer of breast. Last evaluated: 2025-12-23. Review status: criteria provided, single submitter. Criteria: Invitae Variant Classification Sherloc (09022015). Collection method: clinical testing. Allele origin: germline.

Myriad Genetics, Inc.
Classification: Likely benign for Familial cancer of breast. Last evaluated: 2025-01-16. Review status: criteria provided, single submitter. Criteria: Myriad Autosomal Dominant, Autosomal Recessive and X-Linked Classification Criteria (2023). Collection method: clinical testing. Allele origin: unknown.
Comment: This variant is considered likely benign. This variant is intronic and is not expected to impact mRNA splicing.

Color Diagnostics, LLC DBA Color Health
Classification: Likely benign for Hereditary cancer-predisposing syndrome. Last evaluated: 2024-05-13. Review status: criteria provided, single submitter. Criteria: ACMG Guidelines, 2015. Collection method: clinical testing. Allele origin: germline.

Fulgent Genetics
Classification: Likely benign for Familial cancer of breast; Fanconi anemia complementation group N; Pancreatic cancer, susceptibility to, 3. Last evaluated: 2022-05-06. Review status: criteria provided, single submitter. Criteria: ACMG Guidelines, 2015. Collection method: clinical testing. Allele origin: unknown.